The following is an entry in ClinVar:

ClinVar aggregate classification (germline): Pathogenic (1 of 4 stars; one submission).

Submission:

Labcorp Genetics (formerly Invitae), Labcorp
Classification: Pathogenic. Last evaluated: 2019-10-12. Review status: criteria provided, single submitter. Criteria: Invitae Variant Classification Sherloc (09022015). Collection method: clinical testing. Allele origin: germline.
Comment: A gross deletion of the genomic region encompassing the full coding sequence of the CHM gene has been identified. The boundaries of this event are unknown as the deletion extends beyond the assayed region for this gene and therefore may encompass additional genes. A similar deletion has been observed in several individuals affected with choroideremia (PMID: 26133251, 7981671, 21905166, 23811034) and segregated with choroideremia in several families (PMID: 8749050, 17698759). Larger deletions involving this and neighboring genes have also been reported in families with choroideremia, deafness, and mental retardation (PMID: 3476958). Loss-of-function variants in CHM are known to be pathogenic (PMID: 9067750, 23811034). For these reasons, this variant has been classified as Pathogenic.

Literature cited by the submitters: PubMed 21905166; PubMed 8749050; PubMed 23811034; PubMed 26133251; PubMed 17698759; PubMed 7981671; PubMed 3476958.

NC_000023.10:g.(?_83576897)_(86924394_?)del

Genes: APOOL (apolipoprotein O like; plus strand), CHM (CHM Rab escort protein; minus strand), DACH2 (dachshund family transcription factor 2; plus strand), HDX (highly divergent homeobox; minus strand), KLHL4 (kelch like family member 4; plus strand) and 3 more. Cytogenetic location: Xq21.1-21.31.
Variant type: Deletion.
Identifiers: ClinVar variation 832734 (VCV000832734.1).